The following is an entry in ClinVar:

NM_000059.4(BRCA2):c.5015A>G (p.Tyr1672Cys)

Gene: BRCA2 (BRCA2 DNA repair associated; plus strand). Cytogenetic location: 13q13.1.
Variant type: single nucleotide variant.
Coding change: c.5015A>G on transcript NM_000059.4 (MANE Select); coding-DNA position 5015, A replaced by G.
Protein change: p.Tyr1672Cys; replaces tyrosine 1672 with cysteine.
Molecular consequence: missense variant.
Genome position (GRCh38, 1-based): chr13:32,339,370, A>G. VCF-style: chr13-32339370-A-G. GRCh37 (hg19) VCF-style: chr13-32913507-A-G.
Other names: short protein forms Y1672C.
Identifiers: ClinVar variation 1686516 (VCV001686516.3), dbSNP rs2072518272, ClinGen allele CA387783953.

ClinVar aggregate classification (germline): Conflicting classifications of pathogenicity. Review status: criteria provided, conflicting classifications (1 of 4 stars). 2 submissions from 2 submitters: Uncertain significance (1); Likely benign (1). Last evaluated 2023-03-23.

Conditions:
Hereditary cancer-predisposing syndrome. Also called: Hereditary Cancer Syndrome; Hereditary neoplastic syndrome; Neoplastic Syndromes, Hereditary; Tumor predisposition. Identifiers: Orphanet 140162, MedGen C0027672, MeSH D009386, MONDO:0015356.

Allele frequency attached by ClinVar (database versions not stated): gnomAD exomes below 0.00001.
gnomAD v4.1: 1 of 1,591,640 alleles (0.000063%); highest among the groups gnomAD compares: East Asian, 0.0022%; no homozygotes.

Submissions (2):

University of Washington Department of Laboratory Medicine, University of Washington
Classification: Likely benign for Hereditary cancer-predisposing syndrome. Last evaluated: 2023-03-23. Review status: criteria provided, single submitter. Criteria: Dines et al. (Genet Med. 2020). Collection method: curation. Allele origin: germline.
Comment: Missense variant in a coldspot region where missense variants are very unlikely to be pathogenic (PMID:31911673).

BRCA2 exon 11 coldspot. Reclassification based on statistical prior probability.

Mendelics
Classification: Uncertain significance. Last evaluated: 2022-05-04. Review status: criteria provided, single submitter. Criteria: Mendelics Assertion Criteria 2019. Collection method: clinical testing. Allele origin: germline.